The following is an entry in ClinVar:

ClinVar aggregate classification (germline): Pathogenic (1 of 4 stars; one submission).

Conditions:
Familial hypoparathyroidism. Also called: Familial isolated hypoparathyroidism. Identifiers: Orphanet 2238, MedGen C1832648, MONDO:0016390.

Submission:

Women's Health and Genetics/Laboratory Corporation of America, LabCorp
Classification: Pathogenic for Familial hypoparathyroidism. Last evaluated: 2025-02-17. Review status: criteria provided, single submitter. Criteria: LabCorp Variant Classification Summary - May 2015. Collection method: clinical testing. Allele origin: germline.
Comment: Variant summary: The variant involves the deletion of exons 1-4 in the GCM2 gene. A presumed nomenclature of c.(?_-249)_(582+1_583-1)del has been designated for the purposes of this classification. The exact breakpoint at the 5' end of this variant is unknown, therefore this deletion may extend upstream of the annotated region of this gene. Although the exact breakpoints of this deletion are not known, it is predicted to remove the initiation codon and result in an absence of protein or a truncation of the encoded protein due to translation initiation at a downstream site. A similar variant allele was found at a frequency of 4.6e-05 in 21694 control chromosomes (gnomAD, structural variats dataset). c.(?_-249)_(582+1_583-1)del has been reported in the literature in at least one homozygous individual affected with Familial Hypoparathyroidism (e.g. Ding_2001). These data indicate that the variant is likely associated with disease. The following publication has been ascertained in the context of this evaluation (PMID: 11602629). ClinVar contains an entry for a similar variant (Variation ID: 1456025). Based on the evidence outlined above, the variant was classified as pathogenic.

Literature cited by the submitters: PubMed 11602629.

NC_000006.11:g.(10875167_10876123)_(10882275_?)del

Gene: GCM2 (glial cells missing transcription factor 2; minus strand). Cytogenetic location: 6p24.2.
Variant type: Deletion.
Identifiers: ClinVar variation 3769019 (VCV003769019.1).